The following is an entry in ClinVar:

NM_177438.3(DICER1):c.3665dup (p.Leu1222fs)

Gene: DICER1 (dicer 1, ribonuclease III; minus strand). Cytogenetic location: 14q32.13.
Variant type: Duplication.
Coding change: c.3665dup on transcript NM_177438.3 (MANE Select); coding-DNA position 3665, one base duplicated (T; older notation c.3665dupT).
Protein change: p.Leu1222fs; shifts the reading frame from leucine 1222.
Molecular consequence: frameshift variant.
Genome position (GRCh38, 1-based): chr14:95,103,731, A duplicated on the plus strand (T on the coding strand, the reverse complement: DICER1 is on the minus strand); the first of 3 consecutive A bases (chr14:95,103,731-95,103,733); duplicating any one gives the same sequence. VCF-style (leftmost placement, unchanged base first): chr14-95103730-T-TA. GRCh37 (hg19) VCF-style: chr14-95570067-T-TA.
Other names: c.3665dupT (NM_177438.2); c.3665dup, p.Leu1222fs (NM_001195573.1, NM_001271282.3, NM_001291628.2 and 1 more transcripts); short protein forms L1222fs.
Identifiers: ClinVar variation 690448 (VCV000690448.5), dbSNP rs1595365532, ClinGen allele CA915946372.
Genomic context (GRCh38, chr14:95,103,730, plus strand): 5'-GTATTTATTACTCAGGAGAGTACATTCATCGCTGGGCTGGGGCTGGTTCTCGTAACTGTA[T>TA]AAATTCTGAATGGAATATGAGGTAGTTGGTTGCACGGGTATTTCCTGCTTGTAGTAATTT-3'

ClinVar aggregate classification (germline): Pathogenic/Likely pathogenic. Review status: criteria provided, multiple submitters, no conflicts (2 of 4 stars). 2 submissions from 2 submitters: Pathogenic (1); Likely pathogenic (1). Last evaluated 2019-07-01.

Conditions:
DICER1-related tumor predisposition. Also called: DICER1-related pleuropulmonary blastoma cancer predisposition syndrome; DICER1 syndrome. Identifiers: Orphanet 284343, MedGen C3839822, MONDO:0100216.

Submissions (2):

Foulkes Cancer Genetics LDI, Lady Davis Institute for Medical Research
Classification: Pathogenic for Pleuropulmonary blastoma. Last evaluated: 2019-07-01. Review status: criteria provided, single submitter. Criteria: ACMG Guidelines, 2015. Collection method: curation. Allele origin: germline. Affected: yes. Observed: 1 variant allele.
Comment: ACMG criteria met: PVS1, PM2, PP4

PreventionGenetics, part of Exact Sciences
Classification: Likely pathogenic. Last evaluated: 2014-04-17. Review status: criteria provided, single submitter. Criteria: ACMG Guidelines, 2015. Collection method: clinical testing. Allele origin: germline.

Literature cited by the submitters: PubMed 26556299 (cited by Foulkes Cancer Genetics LDI, Lady Davis Institute for Medical Research).